The following is an entry in ClinVar:

ClinVar aggregate classification (germline): Uncertain significance (1 of 4 stars; one submission).

Conditions:
Cardiovascular phenotype. Identifiers: MedGen CN230736.

Allele frequency attached by ClinVar (database versions not stated): TOPMed below 0.00001; ExAC 0.00001; gnomAD exomes 0.00001.
gnomAD v4.1: 9 of 1,604,098 alleles (0.00056%); highest among the groups gnomAD compares: African/African-American, 0.0013%; no homozygotes.

Submission:

Ambry Genetics
Classification: Uncertain significance for Cardiovascular phenotype. Last evaluated: 2021-08-26. Review status: criteria provided, single submitter. Criteria: Ambry Variant Classification Scheme 2023. Collection method: clinical testing. Allele origin: germline.
Comment: The p.S54G variant (also known as c.160A>G), located in coding exon 3 of the EPHB4 gene, results from an A to G substitution at nucleotide position 160. The serine at codon 54 is replaced by glycine, an amino acid with similar properties. This amino acid position is conserved. In addition, this alteration is predicted to be tolerated by in silico analysis. Since supporting evidence is limited at this time, the clinical significance of this alteration remains unclear.

NM_004444.5(EPHB4):c.160A>G (p.Ser54Gly)

Gene: EPHB4 (EPH receptor B4; minus strand). Cytogenetic location: 7q22.1.
Variant type: single nucleotide variant.
Coding change: c.160A>G on transcript NM_004444.5 (MANE Select); coding-DNA position 160, A replaced by G.
Protein change: p.Ser54Gly; replaces serine 54 with glycine.
Molecular consequence: missense variant.
Genome position (GRCh38, 1-based): chr7:100,823,895, T>C on the plus strand (A>G on the coding strand, the complement: EPHB4 is on the minus strand). VCF-style: chr7-100823895-T-C. GRCh37 (hg19) VCF-style: chr7-100421517-T-C.
Other names: short protein forms S54G.
Identifiers: ClinVar variation 1776356 (VCV001776356.2), dbSNP rs771820421, ClinGen allele CA4393386.